The following is an entry in ClinVar:

ClinVar aggregate classification (germline): Uncertain significance. Review status: criteria provided, multiple submitters, no conflicts (2 of 4 stars). 2 submissions from 2 submitters: Uncertain significance (2). Last evaluated 2023-07-19.

Conditions:
Congenital factor V deficiency. Also called: LABILE FACTOR DEFICIENCY; OWREN PARAHEMOPHILIA; PARAHEMOPHILIA; Hereditary factor V deficiency disease. Identifiers: Orphanet 326, MedGen C0015499, MONDO:0009210, OMIM 227400.
Factor V deficiency. Also called: Reduced coagulation factor V activity. Identifiers: Orphanet 326, MedGen C4317320, MONDO:0020586, HP:0003225.

Submissions (2):

Labcorp Genetics (formerly Invitae), Labcorp
Classification: Uncertain significance for Congenital factor V deficiency. Last evaluated: 2023-07-19. Review status: criteria provided, single submitter. Criteria: Invitae Variant Classification Sherloc (09022015). Collection method: clinical testing. Allele origin: germline.
Comment: In summary, the available evidence is currently insufficient to determine the role of this variant in disease. Therefore, it has been classified as a Variant of Uncertain Significance. This variant, c.1189_1197del, results in the deletion of 3 amino acid(s) of the F5 protein (p.Thr397_Tyr399del), but otherwise preserves the integrity of the reading frame. This variant is present in population databases (rs751205958, gnomAD 0.006%). This variant has not been reported in the literature in individuals affected with F5-related conditions. ClinVar contains an entry for this variant (Variation ID: 2444319).

3billion
Classification: Uncertain significance for Congenital factor V deficiency. Last evaluated: 2023-02-23. Review status: criteria provided, single submitter. Criteria: ACMG Guidelines, 2015. Collection method: clinical testing. Allele origin: unknown. Affected: yes.
Comment: The variant is observed at an extremely low frequency in the gnomAD v2.1.1 dataset (total allele frequency: <0.001%). Inframe deletion located in a nonrepeat region was predicted to change the length of the protein and disrupt normal protein function. However, the evidence of pathogenicity is insufficient at this time. Therefore, this variant is classified as VUS according to the recommendation of ACMG/AMP guideline.

NM_000130.5(F5):c.1189_1197del (p.Thr397_Tyr399del)

Gene: F5 (coagulation factor V; minus strand). Cytogenetic location: 1q24.2.
Variant type: Deletion.
Coding change: c.1189_1197del on transcript NM_000130.5 (MANE Select); coding-DNA positions 1189 to 1197, 9 bases deleted (ACACAGTAC; older notation c.1189_1197delACACAGTAC).
Protein change: p.Thr397_Tyr399del.
Molecular consequence: inframe deletion.
Genome position (GRCh38, 1-based): chr1:169,552,656-169,552,664, GTACTGTGT deleted on the plus strand (ACACAGTAC on the coding strand, the reverse complement: F5 is on the minus strand); deleting any 9 consecutive bases within chr1:169,552,656-169,552,668 gives the same sequence; the c. name uses the placement nearest the transcript's 3' end. VCF-style (leftmost placement, unchanged base first): chr1-169552655-CGTACTGTGT-C. GRCh37 (hg19) VCF-style: chr1-169521893-CGTACTGTGT-C.
Identifiers: ClinVar variation 2444319 (VCV002444319.4), dbSNP rs751205958, ClinGen allele CA1234392.